The following is an entry in ClinVar:

ClinVar aggregate classification (germline): Uncertain significance. Review status: criteria provided, multiple submitters, no conflicts (2 of 4 stars). 2 submissions from 2 submitters: Uncertain significance (2). Last evaluated 2022-02-16.

Conditions:
Mucopolysaccharidosis, MPS-IV-A (MPS4A). Also called: Mucopolysaccharidosis type IV A; Mucopolysaccharidosis Type IVA; Morquio syndrome A, mild; MORQUIO SYNDROME A; MPS IVA; mucopolysaccharidosis type 4A. Identifiers: Orphanet 309297, Orphanet 582, MedGen C0086651, MONDO:0009659, OMIM 253000.

Allele frequency attached by ClinVar (database versions not stated): gnomAD 0.00001; gnomAD exomes 0.00002 and 0.00005; ExAC 0.00005.

Submissions (2):

Women's Health and Genetics/Laboratory Corporation of America, LabCorp
Classification: Uncertain significance. Last evaluated: 2022-02-16. Review status: criteria provided, single submitter. Criteria: LabCorp Variant Classification Summary - May 2015. Collection method: clinical testing. Allele origin: germline.
Comment: Variant summary: GALNS c.1052C>T (p.Ala351Val) results in a non-conservative amino acid change located in the Sulfatase N-terminal domain (IPR000917) of the encoded protein sequence. Three of five in-silico tools predict a damaging effect of the variant on protein function. The variant allele was found at a frequency of 2.2e-05 in 223600 control chromosomes (gnomAD). This publication also reported experimental evidence evaluating an impact on protein function, and demonstrated that the variant caused severely reduced enzyme activity in transiently transfected fibroblast as compared with fibroblasts transfected with normal cDNA (Tomatsu_1997). One ClinVar submitter has assessed the variant since 2014, and classified it as a VUS. Based on the evidence outlined above, the variant was classified as VUS-possibly pathogenic.

Laboratory of Diagnosis and Therapy of Lysosomal Disorders, University of Padova
Classification: Uncertain significance for Mucopolysaccharidosis, MPS-IV-A. Last evaluated: 2021-02-01. Review status: criteria provided, single submitter. Criteria: ACMG Guidelines, 2015. Collection method: curation. Allele origin: germline. Affected: yes.
Comment: In vitro functional studies supportive of a damaging effect on the gene product (low in vitro enzymatic activity; PS3_supporting); very low frequency in gnomAD v2.1.1 (PM2_moderate)

Literature cited by the submitters: PubMed 10814710 (cited by Women's Health and Genetics/Laboratory Corporation of America, LabCorp); PubMed 16287098 (cited by Women's Health and Genetics/Laboratory Corporation of America, LabCorp and Laboratory of Diagnosis and Therapy of Lysosomal Disorders, University of Padova); PubMed 22940367 (cited by Women's Health and Genetics/Laboratory Corporation of America, LabCorp); PubMed 9375852 (cited by Women's Health and Genetics/Laboratory Corporation of America, LabCorp); PubMed 34387910 (cited by Women's Health and Genetics/Laboratory Corporation of America, LabCorp and Laboratory of Diagnosis and Therapy of Lysosomal Disorders, University of Padova).

NM_000512.5(GALNS):c.1052C>T (p.Ala351Val)

Gene: GALNS (galactosamine (N-acetyl)-6-sulfatase; minus strand). Cytogenetic location: 16q24.3.
Variant type: single nucleotide variant.
Coding change: c.1052C>T on transcript NM_000512.5 (MANE Select); coding-DNA position 1052, C replaced by T.
Protein change: p.Ala351Val; replaces alanine 351 with valine.
Molecular consequence: missense variant.
Genome position (GRCh38, 1-based): chr16:88,826,789, G>A on the plus strand (C>T on the coding strand, the complement: GALNS is on the minus strand). VCF-style: chr16-88826789-G-A. GRCh37 (hg19) VCF-style: chr16-88893197-G-A.
Other names: c.497C>T, p.Ala166Val (NM_001323543.2); c.1070C>T, p.Ala357Val (NM_001323544.2); c.1052C>T (NM_000512.4); short protein forms A166V, A351V, A357V.
Identifiers: ClinVar variation 1048488 (VCV001048488.4), dbSNP rs761386453, ClinGen allele CA8234839.